The following is an entry in ClinVar:

ClinVar aggregate classification (germline): Uncertain significance (1 of 4 stars; one submission).

Conditions:
Rhabdoid tumor predisposition syndrome 2 (RTPS2). Identifiers: Orphanet 231108, Orphanet 69077, MedGen C2750074, MONDO:0013224, OMIM 613325.

Submission:

Labcorp Genetics (formerly Invitae), Labcorp
Classification: Uncertain significance for Rhabdoid tumor predisposition syndrome 2. Last evaluated: 2017-06-13. Review status: criteria provided, single submitter. Criteria: Invitae Variant Classification Sherloc (09022015). Collection method: clinical testing. Allele origin: germline.
Comment: In summary, this variant has uncertain impact on SMARCA4 function. The available evidence is currently insufficient to determine its role in disease. Therefore, it has been classified as a Variant of Uncertain Significance. Algorithms developed to predict the effect of missense changes on protein structure and function (SIFT, PolyPhen-2, Align-GVGD) all suggest that this variant is likely to be disruptive, but these predictions have not been confirmed by published functional studies and their clinical significance is uncertain. This variant has not been reported in the literature in individuals with a SMARCA4-related disease. This variant is not present in population databases (ExAC no frequency). This sequence change replaces glutamic acid with alanine at codon 1531 of the SMARCA4 protein (p.Glu1531Ala). The glutamic acid residue is highly conserved and there is a moderate physicochemical difference between glutamic acid and alanine.

NM_003072.5(SMARCA4):c.4496A>C (p.Glu1499Ala)

Gene: SMARCA4 (SWI/SNF related BAF chromatin remodeling complex subunit ATPase 4; plus strand). Cytogenetic location: 19p13.2.
Variant type: single nucleotide variant.
Coding change: c.4496A>C on transcript NM_003072.5 (MANE Select); coding-DNA position 4496, A replaced by C.
Protein change: p.Glu1499Ala; replaces glutamic acid 1499 with alanine.
Molecular consequence: missense variant. On other transcripts: non-coding transcript variant (1).
Genome position (GRCh38, 1-based): chr19:11,058,326, A>C. VCF-style: chr19-11058326-A-C. GRCh37 (hg19) VCF-style: chr19-11169002-A-C.
Other names: c.4496A>C, p.Glu1499Ala (NM_001128844.3); c.4406A>C, p.Glu1469Ala (NM_001128845.2); c.4403A>C, p.Glu1468Ala (NM_001128846.2); c.4397A>C, p.Glu1466Ala (NM_001128847.4, NM_001374457.1); c.4394A>C, p.Glu1465Ala (NM_001128848.2); c.4592A>C, p.Glu1531Ala (NM_001128849.3, NM_001387283.1); short protein forms E1531A, E1468A, E1465A, E1466A, E1469A, E1499A.
Identifiers: ClinVar variation 470404 (VCV000470404.8), dbSNP rs1555795056, ClinGen allele CA404077756.